The following is an entry in ClinVar:

ClinVar aggregate classification (germline): Uncertain significance (1 of 4 stars; one submission).

Allele frequency attached by ClinVar (database versions not stated): gnomAD exomes below 0.00001.
gnomAD v4.1: 2 of 1,610,894 alleles (0.00012%); highest among the groups gnomAD compares: African/African-American, 0.0027%; no homozygotes.

Submission:

Labcorp Genetics (formerly Invitae), Labcorp
Classification: Uncertain significance. Last evaluated: 2022-08-05. Review status: criteria provided, single submitter. Criteria: Invitae Variant Classification Sherloc (09022015). Collection method: clinical testing. Allele origin: germline.
Comment: This sequence change replaces arginine, which is basic and polar, with leucine, which is neutral and non-polar, at codon 311 of the GFAP protein (p.Arg311Leu). In summary, the available evidence is currently insufficient to determine the role of this variant in disease. Therefore, it has been classified as a Variant of Uncertain Significance. Algorithms developed to predict the effect of missense changes on protein structure and function are either unavailable or do not agree on the potential impact of this missense change (SIFT: "Deleterious"; PolyPhen-2: "Probably Damaging"; Align-GVGD: "Class C0"). This variant has not been reported in the literature in individuals affected with GFAP-related conditions. This variant is not present in population databases (gnomAD no frequency).

NM_002055.5(GFAP):c.932G>T (p.Arg311Leu)

Gene: GFAP (glial fibrillary acidic protein; minus strand). Cytogenetic location: 17q21.31.
Variant type: single nucleotide variant.
Coding change: c.932G>T on transcript NM_002055.5 (MANE Select); coding-DNA position 932, G replaced by T.
Protein change: p.Arg311Leu; replaces arginine 311 with leucine.
Molecular consequence: missense variant.
Genome position (GRCh38, 1-based): chr17:44,911,431, C>A on the plus strand (G>T on the coding strand, the complement: GFAP is on the minus strand). VCF-style: chr17-44911431-C-A. GRCh37 (hg19) VCF-style: chr17-42988799-C-A.
Other names: c.932G>T, p.Arg311Leu (NM_001131019.3, NM_001242376.3, NM_001363846.2); short protein forms R311L.
Identifiers: ClinVar variation 2106457 (VCV002106457.4), dbSNP rs767380067, ClinGen allele CA399844386.
Genomic context (GRCh38, chr17:44,911,431, plus strand): 5'-AGCCGCGCCAGCGCCTCCTGATAACTGGCCGCCTCCCGCACGTGCCGCTCCTCCTGCTCG[C>A]GCATCTGCCTCTCCAGGGACTCGTTCTGTGGGATGGAGCCGGCCGGTCCCGCGGAGCCCC-3'
Protein context (NP_002046.1, residues 301-321): GTNESLERQM[Arg311Leu]EQEERHVREA